The following is an entry in ClinVar:

ClinVar aggregate classification (germline): Uncertain significance (1 of 4 stars; one submission).

Conditions:
Spastic paraplegia. Identifiers: MedGen C0037772, HP:0001258.

Submission:

Labcorp Genetics (formerly Invitae), Labcorp
Classification: Uncertain significance for Spastic paraplegia. Last evaluated: 2024-01-17. Review status: criteria provided, single submitter. Criteria: Invitae Variant Classification Sherloc (09022015). Collection method: clinical testing. Allele origin: germline.
Comment: This sequence change replaces proline, which is neutral and non-polar, with arginine, which is basic and polar, at codon 129 of the GJC2 protein (p.Pro129Arg). The frequency data for this variant in the population databases is considered unreliable, as metrics indicate insufficient coverage at this position in the gnomAD database. This variant has not been reported in the literature in individuals affected with GJC2-related conditions. ClinVar contains an entry for this variant (Variation ID: 2060853). Advanced modeling of protein sequence and biophysical properties (such as structural, functional, and spatial information, amino acid conservation, physicochemical variation, residue mobility, and thermodynamic stability) has been performed at Invitae for this missense variant, however the output from this modeling did not meet the statistical confidence thresholds required to predict the impact of this variant on GJC2 protein function. In summary, the available evidence is currently insufficient to determine the role of this variant in disease. Therefore, it has been classified as a Variant of Uncertain Significance.

NM_020435.4(GJC2):c.386C>G (p.Pro129Arg)

Gene: GJC2 (gap junction protein gamma 2; plus strand). Cytogenetic location: 1q42.13.
Variant type: single nucleotide variant.
Coding change: c.386C>G on transcript NM_020435.4 (MANE Select); coding-DNA position 386, C replaced by G.
Protein change: p.Pro129Arg; replaces proline 129 with arginine.
Molecular consequence: missense variant.
Genome position (GRCh38, 1-based): chr1:228,158,144, C>G. VCF-style: chr1-228158144-C-G. GRCh37 (hg19) VCF-style: chr1-228345845-C-G.
Other names: short protein forms P129R.
Identifiers: ClinVar variation 2060853 (VCV002060853.4), dbSNP rs2527875998, ClinGen allele CA345097644.
Genomic context (GRCh38, chr1:228,158,144, plus strand): 5'-AGCGGCGCCGCGCCCTCCGCCGCCGCCCGGGGCCACGCCGCGCGCCCCGAGCGCACCTGC[C>G]GCCCCCGCACGCCGGCTGGCCTGAGCCCGCCGACCTGGGCGAGGAGGAGCCCATGCTGGG-3'
Protein context (NP_065168.2, residues 119-139): GPRRAPRAHL[Pro129Arg]PPHAGWPEPA